The following is an entry in ClinVar:

ClinVar aggregate classification (germline): Benign/Likely benign. Review status: criteria provided, multiple submitters, no conflicts (2 of 4 stars). 3 submissions from 3 submitters: Benign (1); Likely benign (2). Last evaluated 2025-05-14.

Conditions:
KMT2D-related disorder. Also called: KMT2D-Related Disorders.
Kabuki syndrome. Also called: Kabuki make-up syndrome; NIIKAWA-KUROKI SYNDROME. Identifiers: Orphanet 2322, MedGen C0796004, MONDO:0016512.

Allele frequency attached by ClinVar (database versions not stated): gnomAD exomes 0.00002; gnomAD 0.00003; TOPMed 0.00003; ExAC 0.00004; ESP Exome Variant Server 0.00008; 1000 Genomes Project 30x 0.00016; 1000 Genomes Project 0.00020.
gnomAD v4.1: 27 of 1,562,712 alleles (0.0017%); highest among the groups gnomAD compares: Non-Finnish European, 0.0022%; no homozygotes.

Submissions (3):

Labcorp Genetics (formerly Invitae), Labcorp
Classification: Benign for Kabuki syndrome. Last evaluated: 2025-05-14. Review status: criteria provided, single submitter. Criteria: Invitae Variant Classification Sherloc (09022015). Collection method: clinical testing. Allele origin: germline.

PreventionGenetics, part of Exact Sciences
Classification: Likely benign for KMT2D-related condition. Last evaluated: 2025-04-28. Review status: criteria provided, single submitter. Criteria: ACMG Guidelines, 2015. Collection method: clinical testing. Allele origin: germline.
Comment: This variant is classified as likely benign based on ACMG/AMP sequence variant interpretation guidelines (Richards et al. 2015 PMID: 25741868, with internal and published modifications).

CeGaT Center for Human Genetics Tuebingen
Classification: Likely benign. Last evaluated: 2024-12-01. Review status: criteria provided, single submitter. Criteria: CeGaT Center For Human Genetics Tuebingen Variant Classification Criteria Version 2. Collection method: clinical testing. Allele origin: germline. Affected: yes. Observed: 1 variant allele.
Comment: KMT2D: BP4, BP7

NM_003482.4(KMT2D):c.7362C>G (p.Pro2454=)

Gene: KMT2D (lysine methyltransferase 2D; minus strand). Cytogenetic location: 12q13.12.
Variant type: single nucleotide variant.
Coding change: c.7362C>G on transcript NM_003482.4 (MANE Select); coding-DNA position 7362, C replaced by G.
Protein change: p.Pro2454=; no amino-acid change (proline 2454 retained).
Molecular consequence: synonymous variant.
Genome position (GRCh38, 1-based): chr12:49,040,408, G>C on the plus strand (C>G on the coding strand, the complement: KMT2D is on the minus strand). VCF-style: chr12-49040408-G-C. GRCh37 (hg19) VCF-style: chr12-49434191-G-C.
Identifiers: ClinVar variation 2911676 (VCV002911676.17), dbSNP rs202191829, ClinGen allele CA6547081.
Genomic context (GRCh38, chr12:49,040,408, plus strand): 5'-GGGCTGGGGTCGGGGTGGCTTATGCAATGGGGCAAATGGGTCACGGGACTGAGGGCGTGA[G>C]GGTGGGCGAGAATAAGGGTCAGGGGACTGGAAGCGAGGGGTAACGGGTGATGGGCAAAAA-3'
Protein context (NP_003473.3, residues 2444-2464): FQSPDPYSRP[Pro2454=]SRPQSRDPFA